The following is an entry in ClinVar:

ClinVar aggregate classification (germline): Uncertain significance. Review status: criteria provided, multiple submitters, no conflicts (2 of 4 stars). 2 submissions from 2 submitters: Uncertain significance (2). Last evaluated 2024-08-12.

Conditions:
Inborn genetic diseases. Identifiers: MedGen C0950123, MeSH D030342.

gnomAD v4.1: 1 of 1,614,228 alleles (0.000062%); no homozygotes.

Submissions (2):

Ambry Genetics
Classification: Uncertain significance for Inborn genetic diseases. Last evaluated: 2024-08-12. Review status: criteria provided, single submitter. Criteria: Ambry Variant Classification Scheme 2023. Collection method: clinical testing. Allele origin: germline.

Labcorp Genetics (formerly Invitae), Labcorp
Classification: Uncertain significance. Last evaluated: 2023-08-04. Review status: criteria provided, single submitter. Criteria: Invitae Variant Classification Sherloc (09022015). Collection method: clinical testing. Allele origin: germline.
Comment: In summary, the available evidence is currently insufficient to determine the role of this variant in disease. Therefore, it has been classified as a Variant of Uncertain Significance. Advanced modeling of protein sequence and biophysical properties (such as structural, functional, and spatial information, amino acid conservation, physicochemical variation, residue mobility, and thermodynamic stability) performed at Invitae indicates that this missense variant is not expected to disrupt ELOVL4 protein function. ClinVar contains an entry for this variant (Variation ID: 1043709). This variant has not been reported in the literature in individuals affected with ELOVL4-related conditions. This variant is not present in population databases (gnomAD no frequency). This sequence change replaces lysine, which is basic and polar, with glutamine, which is neutral and polar, at codon 277 of the ELOVL4 protein (p.Lys277Gln).

NM_022726.4(ELOVL4):c.829A>C (p.Lys277Gln)

Gene: ELOVL4 (ELOVL fatty acid elongase 4; minus strand). Cytogenetic location: 6q14.1.
Variant type: single nucleotide variant.
Coding change: c.829A>C on transcript NM_022726.4 (MANE Select); coding-DNA position 829, A replaced by C.
Protein change: p.Lys277Gln; replaces lysine 277 with glutamine.
Molecular consequence: missense variant.
Genome position (GRCh38, 1-based): chr6:79,916,724, T>G on the plus strand (A>C on the coding strand, the complement: ELOVL4 is on the minus strand). VCF-style: chr6-79916724-T-G. GRCh37 (hg19) VCF-style: chr6-80626441-T-G.
Other names: c.829A>C (NM_022726.3); short protein forms K277Q.
Identifiers: ClinVar variation 1043709 (VCV001043709.9), dbSNP rs976650950, ClinGen allele CA142270652.
Genomic context (GRCh38, chr6:79,916,724, plus strand): 5'-GTTTTTCTGATTTGCTCACACCATTTGCTGAAATACCATTCATGGCTGTTTTTCCAGCTT[T>G]TGGTTTCTTAGGCTCTTTGTATGTCCGAATGTAGAAGTTAAGAAAGAGAAATATGAAGCT-3'
Protein context (NP_073563.1, residues 267-287): IRTYKEPKKP[Lys277Gln]AGKTAMNGIS